The following is an entry in ClinVar:

NM_194293.4(XIRP1):c.2032C>T (p.Arg678Trp)

Gene: XIRP1 (xin actin binding repeat containing 1; minus strand). Cytogenetic location: 3p22.2.
Variant type: single nucleotide variant.
Coding change: c.2032C>T on transcript NM_194293.4 (MANE Select); coding-DNA position 2032, C replaced by T.
Protein change: p.Arg678Trp; replaces arginine 678 with tryptophan.
Molecular consequence: missense variant. On other transcripts: intron variant (1).
Genome position (GRCh38, 1-based): chr3:39,187,414, G>A on the plus strand (C>T on the coding strand, the complement: XIRP1 is on the minus strand). VCF-style: chr3-39187414-G-A. GRCh37 (hg19) VCF-style: chr3-39228905-G-A.
Other names: c.2032C>T, p.Arg678Trp (NM_001198621.4); c.-167-1753C>T (NM_001351377.2); short protein forms R678W.
Identifiers: ClinVar variation 3037209 (VCV003037209.2), dbSNP rs116921702, ClinGen allele CA2326369.

ClinVar aggregate classification (germline): Benign (0 of 4 stars; one submission).

Conditions:
XIRP1-related disorder. Also called: XIRP1-related condition.

Allele frequency attached by ClinVar (database versions not stated): ESP Exome Variant Server 0.00008; gnomAD 0.00038; gnomAD exomes 0.00044; TOPMed 0.00053; ExAC 0.00094; 1000 Genomes Project 30x 0.00219; 1000 Genomes Project 0.00240.

Submission:

PreventionGenetics, part of Exact Sciences
Classification: Benign for XIRP1-related condition. Last evaluated: 2019-05-24. Review status: no assertion criteria provided. Collection method: clinical testing. Allele origin: germline.
Comment: This variant is classified as benign based on ACMG/AMP sequence variant interpretation guidelines (Richards et al. 2015 PMID: 25741868, with internal and published modifications).